The following is an entry in ClinVar:

ClinVar aggregate classification (germline): Uncertain significance (1 of 4 stars; one submission).

gnomAD v4.1: 1 of 1,613,268 alleles (0.000062%); highest among the groups gnomAD compares: African/African-American, 0.0013%; no homozygotes.

Submission:

Ambry Genetics
Classification: Uncertain significance. Last evaluated: 2024-12-25. Review status: criteria provided, single submitter. Criteria: Ambry Variant Classification Scheme 2023. Collection method: clinical testing. Allele origin: germline.
Comment: The p.G592C variant (also known as c.1774G>T), located in coding exon 13 of the GEN1 gene, results from a G to T substitution at nucleotide position 1774. The glycine at codon 592 is replaced by cysteine, an amino acid with highly dissimilar properties. This amino acid position is conserved. In addition, this alteration is predicted to be tolerated by in silico analysis. Based on the available evidence, the clinical significance of this variant remains unclear.

NM_001130009.3(GEN1):c.1774G>T (p.Gly592Cys)

Gene: GEN1 (GEN1 Holliday junction 5' flap endonuclease; plus strand). Cytogenetic location: 2p24.2.
Variant type: single nucleotide variant.
Coding change: c.1774G>T on transcript NM_001130009.3 (MANE Select); coding-DNA position 1774, G replaced by T.
Protein change: p.Gly592Cys; replaces glycine 592 with cysteine.
Molecular consequence: missense variant.
Genome position (GRCh38, 1-based): chr2:17,780,986, G>T. VCF-style: chr2-17780986-G-T. GRCh37 (hg19) VCF-style: chr2-17962253-G-T.
Other names: c.1774G>T, p.Gly592Cys (NM_182625.5); short protein forms G592C.
Identifiers: ClinVar variation 3853458 (VCV003853458.1).